The following is an entry in ClinVar:

ClinVar aggregate classification (germline): Uncertain significance (1 of 4 stars; one submission).

Allele frequency attached by ClinVar (database versions not stated): gnomAD exomes below 0.00001.

Submission:

Labcorp Genetics (formerly Invitae), Labcorp
Classification: Uncertain significance. Last evaluated: 2023-05-05. Review status: criteria provided, single submitter. Criteria: Invitae Variant Classification Sherloc (09022015). Collection method: clinical testing. Allele origin: germline.
Comment: Advanced modeling of protein sequence and biophysical properties (such as structural, functional, and spatial information, amino acid conservation, physicochemical variation, residue mobility, and thermodynamic stability) performed at Invitae indicates that this missense variant is not expected to disrupt ITPR1 protein function. This variant has not been reported in the literature in individuals affected with ITPR1-related conditions. This variant is not present in population databases (gnomAD no frequency). This sequence change replaces glycine, which is neutral and non-polar, with aspartic acid, which is acidic and polar, at codon 664 of the ITPR1 protein (p.Gly664Asp). In summary, the available evidence is currently insufficient to determine the role of this variant in disease. Therefore, it has been classified as a Variant of Uncertain Significance.

NM_001378452.1(ITPR1):c.2036G>A (p.Gly679Asp)

Gene: ITPR1 (inositol 1,4,5-trisphosphate receptor type 1; plus strand). Cytogenetic location: 3p26.1.
Variant type: single nucleotide variant.
Coding change: c.2036G>A on transcript NM_001378452.1 (MANE Select); coding-DNA position 2036, G replaced by A.
Protein change: p.Gly679Asp; replaces glycine 679 with aspartic acid.
Molecular consequence: missense variant.
Genome position (GRCh38, 1-based): chr3:4,670,758, G>A. VCF-style: chr3-4670758-G-A. GRCh37 (hg19) VCF-style: chr3-4712442-G-A.
Other names: c.2036G>A, p.Gly679Asp (NM_001099952.4); c.1991G>A, p.Gly664Asp (NM_001168272.2, NM_002222.7); short protein forms G664D, G679D.
Identifiers: ClinVar variation 2901703 (VCV002901703.3), dbSNP rs2470742184, ClinGen allele CA351644967.
Genomic context (GRCh38, chr3:4,670,758, plus strand): 5'-GTAACTTTTCCCTCCTCCTCTTGTTTTCTAGGTTGGTTCTTTCTCGTTTTGAATTTGAAG[G>A]TGTCTCTTCCACTGGAGAGAATGCTCTGGAGGCAGGAGAAGACGAGGAAGAGGTGTGGCT-3'
Protein context (NP_001365381.1, residues 669-689): KLVLSRFEFE[Gly679Asp]VSSTGENALE